The following is an entry in ClinVar:

ClinVar aggregate classification (germline): Uncertain significance (1 of 4 stars; one submission).

Conditions:
Inborn genetic diseases. Identifiers: MedGen C0950123, MeSH D030342.

gnomAD v4.1: 1 of 1,614,228 alleles (0.000062%); highest among the groups gnomAD compares: Non-Finnish European, 0.000085%; no homozygotes.

Submission:

Ambry Genetics
Classification: Uncertain significance for Inborn genetic diseases. Last evaluated: 2026-05-19. Review status: criteria provided, single submitter. Criteria: Ambry Variant Classification Scheme 2023. Collection method: clinical testing. Allele origin: germline.
Comment: The c.1372A>T (p.I458F) alteration is located in exon 13 (coding exon 13) of the ITGA2B gene. This alteration results from a A to T substitution at nucleotide position 1372, causing the isoleucine (I) at amino acid position 458 to be replaced by a phenylalanine (F). Based on data from gnomAD, the T allele has an overall frequency of <0.001% (1/251480) total alleles studied. The highest observed frequency was 0.001% (1/113758) of European (non-Finnish) alleles. Based on insufficient or conflicting evidence, the clinical significance of this alteration remains unclear.

NM_000419.5(ITGA2B):c.1372A>T (p.Ile458Phe)

Gene: ITGA2B (integrin subunit alpha 2b; minus strand). Cytogenetic location: 17q21.31.
Variant type: single nucleotide variant.
Coding change: c.1372A>T on transcript NM_000419.5 (MANE Select); coding-DNA position 1372, A replaced by T.
Protein change: p.Ile458Phe; replaces isoleucine 458 with phenylalanine.
Molecular consequence: missense variant.
Genome position (GRCh38, 1-based): chr17:44,380,900, T>A on the plus strand (A>T on the coding strand, the complement: ITGA2B is on the minus strand). VCF-style: chr17-44380900-T-A. GRCh37 (hg19) VCF-style: chr17-42458268-T-A.
Other names: short protein forms I458F.
Identifiers: ClinVar variation 4858495 (VCV004858495.1).
Genomic context (GRCh38, chr17:44,380,900, plus strand): 5'-CTTTCTTGGGCATTTCTAGCTGGAGGCAGTCCAGGGCACCTGGGTATCCGTTGTCATCGA[T>A]GTCTACGGCACCTCGAAGGGAGAAGCCAAAGGCAGAGCCTGTGGGGAAGGGGCTGTCCAG-3'
Protein context (NP_000410.2, residues 448-468): FGFSLRGAVD[Ile458Phe]DDNGYPDLIV